The following is an entry in ClinVar:

ClinVar aggregate classification (germline): Uncertain significance (1 of 4 stars; one submission).

Conditions:
Cardiovascular phenotype. Identifiers: MedGen CN230736.

Submission:

Ambry Genetics
Classification: Uncertain significance for Cardiovascular phenotype. Last evaluated: 2022-08-11. Review status: criteria provided, single submitter. Criteria: Ambry Variant Classification Scheme 2023. Collection method: clinical testing. Allele origin: germline.
Comment: The p.A3775V variant (also known as c.11324C>T), located in coding exon 16 of the ALMS1 gene, results from a C to T substitution at nucleotide position 11324. The alanine at codon 3775 is replaced by valine, an amino acid with similar properties. This amino acid position is poorly conserved in available vertebrate species. In addition, this alteration is predicted to be tolerated by in silico analysis. Since supporting evidence is limited at this time, the clinical significance of this alteration remains unclear.

NM_001378454.1(ALMS1):c.11321C>T (p.Ala3774Val)

Gene: ALMS1 (ALMS1 centrosome and basal body associated protein; plus strand). Cytogenetic location: 2p13.1.
Variant type: single nucleotide variant.
Coding change: c.11321C>T on transcript NM_001378454.1 (MANE Select); coding-DNA position 11321, C replaced by T.
Protein change: p.Ala3774Val; replaces alanine 3774 with valine.
Molecular consequence: missense variant.
Genome position (GRCh38, 1-based): chr2:73,573,198, C>T. VCF-style: chr2-73573198-C-T. GRCh37 (hg19) VCF-style: chr2-73800325-C-T.
Other names: c.11324C>T, p.Ala3775Val (NM_015120.4); short protein forms A3775V, A3774V.
Identifiers: ClinVar variation 1728700 (VCV001728700.2), dbSNP rs2466447052, ClinGen allele CA347289050.
Genomic context (GRCh38, chr2:73,573,198, plus strand): 5'-TTTCCGGCACCACTTCTACTGTCGAATCAGATATATTGACCCAAACAGATAGAGAGGTGG[C>T]TCTGCACGAAAGGAGTAGCTCTGTTTCCACTATTGACACTGCCCGGCTGATTCAAGCTTT-3'
Protein context (NP_001365383.1, residues 3764-3784): DILTQTDREV[Ala3774Val]LHERSSSVST